The following is an entry in ClinVar:

NM_025114.4(CEP290):c.2177C>T (p.Ala726Val)

Gene: CEP290 (centrosomal protein 290; minus strand). Cytogenetic location: 12q21.32.
Variant type: single nucleotide variant.
Coding change: c.2177C>T on transcript NM_025114.4 (MANE Select); coding-DNA position 2177, C replaced by T.
Protein change: p.Ala726Val; replaces alanine 726 with valine.
Molecular consequence: missense variant.
Genome position (GRCh38, 1-based): chr12:88,111,734, G>A on the plus strand (C>T on the coding strand, the complement: CEP290 is on the minus strand). VCF-style: chr12-88111734-G-A. GRCh37 (hg19) VCF-style: chr12-88505511-G-A.
Other names: c.2177C>T (NM_025114.3); short protein forms A726V.
Identifiers: ClinVar variation 1448303 (VCV001448303.4), dbSNP rs1592608053, ClinGen allele CA385974936.

ClinVar aggregate classification (germline): Uncertain significance. Review status: criteria provided, multiple submitters, no conflicts (2 of 4 stars). 2 submissions from 2 submitters: Uncertain significance (2). Last evaluated 2025-11-10.

Conditions:
CEP290-related disorder. Also called: CEP290-related condition; CEP290-related disorders. Identifiers: MedGen CN239314.
Nephronophthisis. Also called: Juvenile Nephronophthisis. Identifiers: Orphanet 655, MedGen C0687120, MONDO:0019005, HP:0000090.
Meckel-Gruber syndrome. Also called: DYSENCEPHALIA SPLANCHNOCYSTICA; GRUBER SYNDROME; Dysencephalia splachnocystica. Identifiers: Orphanet 564, MedGen C0265215, MONDO:0018921.
Joubert syndrome. Also called: JOUBERT-BOLTSHAUSER SYNDROME; Familial aplasia of the vermis. Identifiers: Orphanet 475, MedGen C5979921, MONDO:0018772.

Submissions (2):

PreventionGenetics, part of Exact Sciences
Classification: Uncertain significance for CEP290-related condition. Last evaluated: 2025-11-10. Review status: criteria provided, single submitter. Criteria: ACMG Guidelines, 2015. Collection method: clinical testing. Allele origin: germline.
Comment: The CEP290 c.2177C>T variant is predicted to result in the amino acid substitution p.Ala726Val. To our knowledge, this variant has not been reported in the literature or in a large population database (gnomAD), indicating this variant is rare. At this time, the clinical significance of this variant is uncertain due to the absence of conclusive functional and genetic evidence.

Labcorp Genetics (formerly Invitae), Labcorp
Classification: Uncertain significance for Joubert syndrome; Meckel-Gruber syndrome; Nephronophthisis. Last evaluated: 2022-06-04. Review status: criteria provided, single submitter. Criteria: Invitae Variant Classification Sherloc (09022015). Collection method: clinical testing. Allele origin: germline.
Comment: This sequence change replaces alanine, which is neutral and non-polar, with valine, which is neutral and non-polar, at codon 726 of the CEP290 protein (p.Ala726Val). This variant is not present in population databases (gnomAD no frequency). This variant has not been reported in the literature in individuals affected with CEP290-related conditions. ClinVar contains an entry for this variant (Variation ID: 1448303). Algorithms developed to predict the effect of missense changes on protein structure and function are either unavailable or do not agree on the potential impact of this missense change (SIFT: "Deleterious"; PolyPhen-2: "Possibly Damaging"; Align-GVGD: "Class C0"). In summary, the available evidence is currently insufficient to determine the role of this variant in disease. Therefore, it has been classified as a Variant of Uncertain Significance.